The following is an entry in ClinVar:

ClinVar aggregate classification (germline): Benign (3 of 4 stars; one submission).

Conditions:
Breast-ovarian cancer, familial, susceptibility to, 1 (BROVCA1). Also called: OVARIAN CANCER, SUSCEPTIBILITY TO; BRCA1 Hereditary Breast and Ovarian Cancer. Identifiers: Orphanet 145, MedGen C2676676, MONDO:0011450, OMIM 604370. Disease mechanism: loss of function.

Allele frequency attached by ClinVar (database versions not stated): gnomAD 0.31028 and 0.30305; 1000 Genomes Project 30x 0.33479; 1000 Genomes Project 0.34245; TOPMed 0.29150.

Submission:

Evidence-based Network for the Interpretation of Germline Mutant Alleles (ENIGMA)
Classification: Benign for Breast-ovarian cancer, familial 1. Last evaluated: 2015-01-12. Review status: reviewed by expert panel. Criteria: ENIGMA BRCA1/2 Classification Criteria (2015). Collection method: curation. Allele origin: germline.
Comment: Class 1 not pathogenic based on frequency >1% in an outbred sampleset. Frequency 0.33 (Asian), 0.22 (African), 0.36 (European), derived from 1000 genomes (2012-04-30).

NM_007294.3(BRCA1):c.*1984C>G

Gene: BRCA1 (BRCA1 DNA repair associated; minus strand). Cytogenetic location: 17q21.31.
Variant type: single nucleotide variant.
Coding change: c.*1984C>G on transcript NM_007294.3; 1984 bases downstream of the stop codon, C replaced by G.
Genome position (GRCh38, 1-based): chr17:43,043,694, G>C on the plus strand (C>G on the coding strand, the complement: BRCA1 is on the minus strand). VCF-style: chr17-43043694-G-C. GRCh37 (hg19) VCF-style: chr17-41195711-G-C.
Other names: 7695 C>G.
Identifiers: ClinVar variation 209230 (VCV000209230.3), dbSNP rs8176323, ClinGen allele CA276206.